The following is an entry in ClinVar:

ClinVar aggregate classification (germline): Uncertain significance (1 of 4 stars; one submission).

gnomAD v4.1: 2 of 1,595,312 alleles (0.00013%); highest among the groups gnomAD compares: African/African-American, 0.0013%; no homozygotes.

Submission:

GeneDx
Classification: Uncertain significance. Last evaluated: 2026-03-31. Review status: criteria provided, single submitter. Criteria: GeneDx Variant Classification Process June 2021. Collection method: clinical testing. Allele origin: germline.
Comment: Not observed at significant frequency in large population cohorts (gnomAD); In silico analysis supports that this missense variant has a deleterious effect on protein structure/function; Has not been previously published as pathogenic or benign to our knowledge

NM_001042681.2(RERE):c.4015C>T (p.Pro1339Ser)

Gene: RERE (arginine-glutamic acid dipeptide repeats; minus strand). Cytogenetic location: 1p36.23.
Variant type: single nucleotide variant.
Coding change: c.4015C>T on transcript NM_001042681.2 (MANE Select); coding-DNA position 4015, C replaced by T.
Protein change: p.Pro1339Ser; replaces proline 1339 with serine.
Molecular consequence: missense variant.
Genome position (GRCh38, 1-based): chr1:8,358,520, G>A on the plus strand (C>T on the coding strand, the complement: RERE is on the minus strand). VCF-style: chr1-8358520-G-A. GRCh37 (hg19) VCF-style: chr1-8418580-G-A.
Other names: c.2353C>T, p.Pro785Ser (NM_001042682.2); c.4015C>T, p.Pro1339Ser (NM_012102.4); short protein forms P1339S, P785S.
Identifiers: ClinVar variation 5017780 (VCV005017780.1).